The following is an entry in ClinVar:

NM_000337.6(SGCD):c.503-9T>A

Gene: SGCD (sarcoglycan delta; plus strand). Cytogenetic location: 5q33.3.
Variant type: single nucleotide variant.
Coding change: c.503-9T>A on transcript NM_000337.6 (MANE Select); 9 bases into the intron before coding-DNA position 503, T replaced by A.
Molecular consequence: intron variant.
Genome position (GRCh38, 1-based): chr5:156,647,455, T>A. VCF-style: chr5-156647455-T-A. GRCh37 (hg19) VCF-style: chr5-156074465-T-A.
Other names: c.500-9T>A (NM_001128209.2); c.503-9T>A (NM_172244.3).
Identifiers: ClinVar variation 2126460 (VCV002126460.4), dbSNP rs2480472227, ClinGen allele CA2580073931.
Genomic context (GRCh38, chr5:156,647,455, plus strand): 5'-TGTGCTGATTGTGCCTACAGGTGACTCCAGTATCTCCAATCTCTGTTTGCTTTTCTGTTT[T>A]GTTTACAGGAGCGGAGGGCACAGTGTTCCCTAAATCTATAGAAACACCTAATGTCAGGGC-3'

ClinVar aggregate classification (germline): Uncertain significance (1 of 4 stars; one submission).

Conditions:
Autosomal recessive limb-girdle muscular dystrophy type 2F (LGMDR6). Also called: Muscular dystrophy limb-girdle with delta-sarcoglyan deficiency; MUSCULAR DYSTROPHY, LIMB-GIRDLE, AUTOSOMAL RECESSIVE 6. Identifiers: Orphanet 219, MedGen C1832525, MONDO:0011028, OMIM 601287. Disease mechanism: Affects gamma-sarcoglycan and also disrupts the integrity of the entire sarcoglycan complex..

Allele frequency attached by ClinVar (database versions not stated): gnomAD exomes below 0.00001.
gnomAD v4.1: 1 of 1,570,810 alleles (0.000064%); highest among the groups gnomAD compares: Non-Finnish European, 0.000087%; no homozygotes.

Submission:

Labcorp Genetics (formerly Invitae), Labcorp
Classification: Uncertain significance for Autosomal recessive limb-girdle muscular dystrophy type 2F. Last evaluated: 2023-11-27. Review status: criteria provided, single submitter. Criteria: Invitae Variant Classification Sherloc (09022015). Collection method: clinical testing. Allele origin: germline.
Comment: This sequence change falls in intron 6 of the SGCD gene. It does not directly change the encoded amino acid sequence of the SGCD protein. This variant is not present in population databases (gnomAD no frequency). This variant has not been reported in the literature in individuals affected with SGCD-related conditions. ClinVar contains an entry for this variant (Variation ID: 2126460). Algorithms developed to predict the effect of sequence changes on RNA splicing suggest that this variant may disrupt the consensus splice site. In summary, the available evidence is currently insufficient to determine the role of this variant in disease. Therefore, it has been classified as a Variant of Uncertain Significance.